The following is an entry in ClinVar:

NM_004565.3(PEX14):c.133C>T (p.Pro45Ser)

Gene: PEX14 (peroxisomal biogenesis factor 14; plus strand). Cytogenetic location: 1p36.22.
Variant type: single nucleotide variant.
Coding change: c.133C>T on transcript NM_004565.3 (MANE Select); coding-DNA position 133, C replaced by T.
Protein change: p.Pro45Ser; replaces proline 45 with serine.
Molecular consequence: missense variant.
Genome position (GRCh38, 1-based): chr1:10,536,261, C>T. VCF-style: chr1-10536261-C-T. GRCh37 (hg19) VCF-style: chr1-10596318-C-T.
Other names: short protein forms P45S.
Identifiers: ClinVar variation 2157279 (VCV002157279.4), dbSNP rs1374474122, ClinGen allele CA338688609.

ClinVar aggregate classification (germline): Uncertain significance (1 of 4 stars; one submission).

Conditions:
Peroxisome biogenesis disorder, complementation group K (CGK). Identifiers: MedGen C1866257, MONDO:0800365.

Allele frequency attached by ClinVar (database versions not stated): gnomAD exomes below 0.00001.
gnomAD v4.1: 4 of 1,611,442 alleles (0.00025%); highest among the groups gnomAD compares: Non-Finnish European, 0.00034%; no homozygotes.

Submission:

Labcorp Genetics (formerly Invitae), Labcorp
Classification: Uncertain significance for Peroxisome biogenesis disorder, complementation group K. Last evaluated: 2024-10-24. Review status: criteria provided, single submitter. Criteria: Invitae Variant Classification Sherloc (09022015). Collection method: clinical testing. Allele origin: germline.
Comment: This sequence change replaces proline, which is neutral and non-polar, with serine, which is neutral and polar, at codon 45 of the PEX14 protein (p.Pro45Ser). This variant is present in population databases (no rsID available, gnomAD 0.002%). This variant has not been reported in the literature in individuals affected with PEX14-related conditions. ClinVar contains an entry for this variant (Variation ID: 2157279). Invitae Evidence Modeling of protein sequence and biophysical properties (such as structural, functional, and spatial information, amino acid conservation, physicochemical variation, residue mobility, and thermodynamic stability) has been performed for this missense variant. However, the output from this modeling did not meet the statistical confidence thresholds required to predict the impact of this variant on PEX14 protein function. In summary, the available evidence is currently insufficient to determine the role of this variant in disease. Therefore, it has been classified as a Variant of Uncertain Significance.